The following is an entry in ClinVar:

ClinVar aggregate classification (germline): Uncertain significance. Review status: criteria provided, multiple submitters, no conflicts (2 of 4 stars). 2 submissions from 2 submitters: Uncertain significance (2). Last evaluated 2023-09-21.

Submissions (2):

Blueprint Genetics
Classification: Uncertain significance. Last evaluated: 2023-09-21. Review status: criteria provided, single submitter. Criteria: ACMG Guidelines, 2015. Collection method: clinical testing. Allele origin: germline.

GeneDx
Classification: Uncertain significance. Last evaluated: 2021-01-20. Review status: criteria provided, single submitter. Criteria: GeneDx Variant Classification Process June 2021. Collection method: clinical testing. Allele origin: germline. Affected: yes.
Comment: Not observed in large population cohorts (Lek et al., 2016); In silico analysis supports that this missense variant has a deleterious effect on protein structure/function; Has not been previously published as pathogenic or benign to our knowledge

NM_006939.4(SOS2):c.2525A>G (p.Asn842Ser)

Gene: SOS2 (SOS Ras/Rho guanine nucleotide exchange factor 2; minus strand). Cytogenetic location: 14q21.3.
Variant type: single nucleotide variant.
Coding change: c.2525A>G on transcript NM_006939.4 (MANE Select); coding-DNA position 2525, A replaced by G.
Protein change: p.Asn842Ser; replaces asparagine 842 with serine.
Molecular consequence: missense variant.
Genome position (GRCh38, 1-based): chr14:50,145,312, T>C on the plus strand (A>G on the coding strand, the complement: SOS2 is on the minus strand). VCF-style: chr14-50145312-T-C. GRCh37 (hg19) VCF-style: chr14-50612030-T-C.
Other names: short protein forms N842S.
Identifiers: ClinVar variation 1314030 (VCV001314030.3), dbSNP rs2139576928, ClinGen allele CA389643194.
Genomic context (GRCh38, chr14:50,145,312, plus strand): 5'-TCTTGAAAAACTTGCAGAATTTCTATAATTCTACTTAGTACTGCCACCCGTTCTTCAAAA[T>C]TTTCTGCTTCCACAATGCATCTAACAACAACAAAAATTCATGGCTTAGAAAAGTTTCTTC-3'
Protein context (NP_008870.2, residues 832-852): WFEKCIVEAE[Asn842Ser]FEERVAVLSR